The following is an entry in ClinVar:

ClinVar aggregate classification (germline): Benign. Review status: criteria provided, single submitter (1 of 4 stars). 2 submissions from 2 submitters: Benign (1). 1 of the submissions does not count toward it. Last evaluated 2024-10-05.

Conditions:
KMT2B-related disorder. Also called: KMT2B-related condition; KMT2B-related disorders. Identifiers: MedGen CN381338.

Allele frequency attached by ClinVar (database versions not stated): gnomAD exomes below 0.00001; gnomAD 0.00001; TOPMed 0.00001.

Submissions (2):

Labcorp Genetics (formerly Invitae), Labcorp
Classification: Benign. Last evaluated: 2024-10-05. Review status: criteria provided, single submitter. Criteria: Invitae Variant Classification Sherloc (09022015). Collection method: clinical testing. Allele origin: germline.

PreventionGenetics, part of Exact Sciences
Classification: Likely benign for KMT2B-related condition. Last evaluated: 2019-02-23. Review status: no assertion criteria provided. Collection method: clinical testing. Allele origin: germline. Not counted in ClinVar's aggregate classification.
Comment: This variant is classified as likely benign based on ACMG/AMP sequence variant interpretation guidelines (Richards et al. 2015 PMID: 25741868, with internal and published modifications).

NM_014727.3(KMT2B):c.5844C>T (p.Val1948=)

Gene: KMT2B (lysine methyltransferase 2B; plus strand). Cytogenetic location: 19q13.12.
Variant type: single nucleotide variant.
Coding change: c.5844C>T on transcript NM_014727.3 (MANE Select); coding-DNA position 5844, C replaced by T.
Protein change: p.Val1948=; no amino-acid change (valine 1948 retained).
Molecular consequence: synonymous variant.
Genome position (GRCh38, 1-based): chr19:35,732,393, C>T. VCF-style: chr19-35732393-C-T. GRCh37 (hg19) VCF-style: chr19-36223294-C-T.
Identifiers: ClinVar variation 3047335 (VCV003047335.4), dbSNP rs1490006772, ClinGen allele CA507308010.